The following is an entry in ClinVar:

NM_000153.4(GALC):c.1987del (p.Trp663fs)

Gene: GALC (galactosylceramidase; minus strand). Cytogenetic location: 14q31.3.
Variant type: Deletion.
Coding change: c.1987del on transcript NM_000153.4 (MANE Select); coding-DNA position 1987, one base deleted (T; older notation c.1987delT).
Protein change: p.Trp663fs; shifts the reading frame from tryptophan 663.
Molecular consequence: frameshift variant.
Genome position (GRCh38, 1-based): chr14:87,934,803, A deleted on the plus strand (T on the coding strand, the reverse complement: GALC is on the minus strand). VCF-style (leftmost placement, unchanged base first): chr14-87934802-CA-C. GRCh37 (hg19) VCF-style: chr14-88401146-CA-C.
Other names: c.1918del, p.Trp640fs (NM_001201401.2); c.1909del, p.Trp637fs (NM_001201402.2); short protein forms W637fs, W640fs, W663fs.
Identifiers: ClinVar variation 1066093 (VCV001066093.9), dbSNP rs2139925729, ClinGen allele CA2499222749.

ClinVar aggregate classification (germline): Pathogenic (1 of 4 stars; one submission).

Conditions:
Galactosylceramide beta-galactosidase deficiency. Also called: Krabbe Disease; Leukodystrophy, Globoid Cell; GALACTOCEREBROSIDASE DEFICIENCY; GALC DEFICIENCY; GLOBOID CELL LEUKOENCEPHALOPATHY. Identifiers: Orphanet 487, MedGen C0023521, MONDO:0009499, OMIM 245200.

Allele frequency attached by ClinVar (database versions not stated): gnomAD 0.00001.

Submission:

Labcorp Genetics (formerly Invitae), Labcorp
Classification: Pathogenic for Galactosylceramide beta-galactosidase deficiency. Last evaluated: 2023-07-14. Review status: criteria provided, single submitter. Criteria: Invitae Variant Classification Sherloc (09022015). Collection method: clinical testing. Allele origin: germline.
Comment: For these reasons, this variant has been classified as Pathogenic. This variant disrupts a region of the GALC protein in which other variant(s) (p.Val681Met) have been determined to be pathogenic (PMID: 23462331, 31885218). This suggests that this is a clinically significant region of the protein, and that variants that disrupt it are likely to be disease-causing. ClinVar contains an entry for this variant (Variation ID: 1066093). This variant has not been reported in the literature in individuals affected with GALC-related conditions. This variant is not present in population databases (gnomAD no frequency). This sequence change results in a frameshift in the GALC gene (p.Trp663Glyfs*26). While this is not anticipated to result in nonsense mediated decay, it is expected to disrupt the last 23 amino acid(s) of the GALC protein and extend the protein by 2 additional amino acid residues.

Literature cited by the submitters: PubMed 23462331; PubMed 31885218.